The following is an entry in ClinVar:

ClinVar aggregate classification (germline): Uncertain significance. Review status: criteria provided, multiple submitters, no conflicts (2 of 4 stars). 2 submissions from 2 submitters: Uncertain significance (2). Last evaluated 2024-04-25.

Conditions:
Hennekam lymphangiectasia-lymphedema syndrome 2 (HKLLS2). Identifiers: Orphanet 2136, MedGen C4014939, MONDO:0014454, OMIM 616006.
Van Maldergem syndrome 2 (VMLDS2). Identifiers: Orphanet 314679, MedGen C3809875, MONDO:0014242, OMIM 615546.

Submissions (2):

Fulgent Genetics
Classification: Uncertain significance for Van Maldergem syndrome 2; Hennekam lymphangiectasia-lymphedema syndrome 2. Last evaluated: 2024-04-25. Review status: criteria provided, single submitter. Criteria: ACMG Guidelines, 2015. Collection method: clinical testing. Allele origin: germline.

GeneDx
Classification: Uncertain significance. Last evaluated: 2017-10-26. Review status: criteria provided, single submitter. Criteria: GeneDx Variant Classification (06012015). Collection method: clinical testing. Allele origin: germline. Affected: yes.
Comment: The T2185K variant in the FAT4 gene has not been reported previously as a pathogenic variant, nor as a benign variant, to our knowledge. The T2185K variant is not observed in large population cohorts (Lek et al., 2016). The T2185K variant is a semi-conservative amino acid substitution, which may impact secondary protein structure as these residues differ in some properties. This substitution occurs at a position that is not conserved. In silico analysis is inconsistent in its predictions as to whether or not the variant is damaging to the protein structure/function. We interpret T2185K as a variant of uncertain significance.

NM_001291303.3(FAT4):c.6554C>A (p.Thr2185Lys)

Gene: FAT4 (FAT atypical cadherin 4; plus strand). Cytogenetic location: 4q28.1.
Variant type: single nucleotide variant.
Coding change: c.6554C>A on transcript NM_001291303.3 (MANE Select); coding-DNA position 6554, C replaced by A.
Protein change: p.Thr2185Lys; replaces threonine 2185 with lysine.
Molecular consequence: missense variant.
Genome position (GRCh38, 1-based): chr4:125,415,517, C>A. VCF-style: chr4-125415517-C-A. GRCh37 (hg19) VCF-style: chr4-126336672-C-A.
Other names: c.6554C>A, p.Thr2185Lys (NM_001291285.3, NM_024582.6); c.6554C>A (NM_024582.5); short protein forms T2185K.
Identifiers: ClinVar variation 452816 (VCV000452816.3), dbSNP rs1553968839, ClinGen allele CA358130028.